The following is an entry in ClinVar:

ClinVar aggregate classification (germline): Uncertain significance. Review status: criteria provided, multiple submitters, no conflicts (2 of 4 stars). 2 submissions from 2 submitters: Uncertain significance (2). Last evaluated 2026-09-24.

Conditions:
Episodic ataxia type 2 (EA2). Also called: EPISODIC ATAXIA, NYSTAGMUS-ASSOCIATED; ACETAZOLAMIDE-RESPONSIVE HEREDITARY PAROXYSMAL CEREBELLAR ATAXIA; ATAXIA, EPISODIC, WITH NYSTAGMUS; ATAXIA, FAMILIAL PAROXYSMAL; CEREBELLAR ATAXIA, PAROXYSMAL, ACETAZOLAMIDE-RESPONSIVE; CEREBELLOPATHY, HEREDITARY PAROXYSMAL. Identifiers: Orphanet 97, MedGen C1720416, MONDO:0007163, OMIM 108500.
Developmental and epileptic encephalopathy, 42 (DEE42A). Also called: Epileptic encephalopathy, early infantile, 42; DEVELOPMENTAL AND EPILEPTIC ENCEPHALOPATHY 42A; EPILEPTIC ENCEPHALOPATHY, EARLY INFANTILE, 42A. Identifiers: MedGen C4310716, MONDO:0014917, OMIM 617106.
CACNA1A-related disorder. Also called: CACNA1A-related condition.

Allele frequency attached by ClinVar (database versions not stated): gnomAD exomes below 0.00001; gnomAD 0.00001; TOPMed 0.00001.
gnomAD v4.1: 2 of 1,598,414 alleles (0.00013%); highest among the groups gnomAD compares: African/African-American, 0.0027%; no homozygotes.

Submissions (2):

PreventionGenetics, part of Exact Sciences
Classification: Uncertain significance for CACNA1A-related condition. Last evaluated: 2026-09-24. Review status: criteria provided, single submitter. Criteria: ACMG Guidelines, 2015. Collection method: clinical testing. Allele origin: germline.
Comment: The CACNA1A c.4601T>C variant is predicted to result in the amino acid substitution p.Ile1534Thr. To our knowledge, this variant has not been reported in the literature. This variant is reported in 0.0% of alleles in individuals of African descent in gnomAD. At this time, the clinical significance of this variant is uncertain due to the absence of conclusive functional and genetic evidence.

Labcorp Genetics (formerly Invitae), Labcorp
Classification: Uncertain significance for Developmental and epileptic encephalopathy, 42; Episodic ataxia type 2. Last evaluated: 2021-12-03. Review status: criteria provided, single submitter. Criteria: Invitae Variant Classification Sherloc (09022015). Collection method: clinical testing. Allele origin: germline.
Comment: This sequence change replaces isoleucine, which is neutral and non-polar, with threonine, which is neutral and polar, at codon 1535 of the CACNA1A protein (p.Ile1535Thr). This variant is not present in population databases (gnomAD no frequency). This variant has not been reported in the literature in individuals affected with CACNA1A-related conditions. Advanced modeling of protein sequence and biophysical properties (such as structural, functional, and spatial information, amino acid conservation, physicochemical variation, residue mobility, and thermodynamic stability) performed at Invitae indicates that this missense variant is expected to disrupt CACNA1A protein function. In summary, the available evidence is currently insufficient to determine the role of this variant in disease. Therefore, it has been classified as a Variant of Uncertain Significance.

NM_001127222.2(CACNA1A):c.4601T>C (p.Ile1534Thr)

Gene: CACNA1A (calcium voltage-gated channel subunit alpha1 A; minus strand). Cytogenetic location: 19p13.13.
Variant type: single nucleotide variant.
Coding change: c.4601T>C on transcript NM_001127222.2 (MANE Select); coding-DNA position 4601, T replaced by C.
Protein change: p.Ile1534Thr; replaces isoleucine 1534 with threonine.
Molecular consequence: missense variant.
Genome position (GRCh38, 1-based): chr19:13,255,249, A>G on the plus strand (T>C on the coding strand, the complement: CACNA1A is on the minus strand). VCF-style: chr19-13255249-A-G. GRCh37 (hg19) VCF-style: chr19-13366063-A-G.
Other names: c.4601T>C (NM_001127222.1); c.4613T>C, p.Ile1538Thr (NM_000068.4, NM_023035.3); c.4604T>C, p.Ile1535Thr (NM_001127221.2, NM_001174080.2); short protein forms I1534T, I1535T, I1538T.
Identifiers: ClinVar variation 1398109 (VCV001398109.9), dbSNP rs1004488897, ClinGen allele CA305535388.